The following is an entry in ClinVar:

NM_021096.4(CACNA1I):c.3466G>A (p.Glu1156Lys)

Gene: CACNA1I (calcium voltage-gated channel subunit alpha1 I; plus strand). Cytogenetic location: 22q13.1.
Variant type: single nucleotide variant.
Coding change: c.3466G>A on transcript NM_021096.4 (MANE Select); coding-DNA position 3466, G replaced by A.
Protein change: p.Glu1156Lys; replaces glutamic acid 1156 with lysine.
Molecular consequence: missense variant.
Genome position (GRCh38, 1-based): chr22:39,662,869, G>A. VCF-style: chr22-39662869-G-A. GRCh37 (hg19) VCF-style: chr22-40058874-G-A.
Other names: c.3361G>A, p.Glu1121Lys (NM_001003406.2); short protein forms E1156K, E1121K.
Identifiers: ClinVar variation 5003088 (VCV005003088.1).

ClinVar aggregate classification (germline): Uncertain significance (1 of 4 stars; one submission).

Conditions:
Neurodevelopmental disorder with speech impairment and with or without seizures. Also called: Neurodevelopmental disorder with variable intellectual disability and speech impairment, with or without seizures. Identifiers: MedGen C5774252, MONDO:0859313, OMIM 620114.

gnomAD v4.1: 3 of 1,584,504 alleles (0.00019%); highest among the groups gnomAD compares: Non-Finnish European, 0.00026%; no homozygotes.

Submission:

OLLIN Analises Genomicas, OLLIN
Classification: Uncertain significance for Neurodevelopmental disorder with speech impairment and with or without seizures. Last evaluated: 2026-08-06. Review status: criteria provided, single submitter. Criteria: ACMG Guidelines 2015 PMID 25741868. Collection method: clinical testing. Allele origin: germline. Inheritance: Autosomal dominant inheritance.
Comment: This missense variant, located in exon 18 (of 37), has been observed in gnomAD with an allele frequency of 0.00019%, but has not been reported in ClinVar or identified in the literature. In silico analysis predicts that this variant has a tolerated effect. According to the currently available evidence, this variant has been classified as uncertain significance (BP4).